The following is an entry in ClinVar:

ClinVar aggregate classification (germline): Uncertain significance (1 of 4 stars; one submission).

Conditions:
Von Hippel-Lindau syndrome (VHLS). Also called: Von Hippel-Lindau; von Hippel–Lindau syndrome; VHL syndrome. Identifiers: Orphanet 892, MedGen C0019562, MONDO:0008667, OMIM 193300. Disease mechanism: loss of function.
Chuvash polycythemia. Also called: POLYCYTHEMIA, VHL-DEPENDENT. Identifiers: Orphanet 238557, MedGen C1837915, MONDO:0009892, OMIM 263400.

Submission:

Labcorp Genetics (formerly Invitae), Labcorp
Classification: Uncertain significance for Von Hippel-Lindau syndrome; Chuvash polycythemia. Last evaluated: 2022-01-11. Review status: criteria provided, single submitter. Criteria: Invitae Variant Classification Sherloc (09022015). Collection method: clinical testing. Allele origin: germline.
Comment: This sequence change falls in intron 1 of the VHL gene. It is not expected to change the encoded amino acid sequence of the VHL protein. However, this sequence change falls within a cryptic exon in the VHL gene, known as exon E1’, which is naturally expressed at low levels in several human tissues (PMID: 29891534). This variant is not present in population databases (gnomAD no frequency). This variant has not been reported in the literature in individuals affected with VHL-related conditions. In summary, the available evidence is currently insufficient to determine the role of this variant in disease. Therefore, it has been classified as a Variant of Uncertain Significance.

Literature cited by the submitters: PubMed 29891534.

NM_000551.4(VHL):c.340+798A>C

Genes: VHL (von Hippel-Lindau tumor suppressor; plus strand), LOC107303340 (3p25 von Hippel-Lindau tumor suppressor, E3 ubiquitin protein ligase Alu-mediated recombination region; plus strand). Cytogenetic location: 3p25.3.
Variant type: single nucleotide variant.
Coding change: c.340+798A>C on transcript NM_000551.4 (MANE Select); 798 bases into the intron after coding-DNA position 340, A replaced by C.
Molecular consequence: intron variant. On other transcripts: missense variant (1).
Genome position (GRCh38, 1-based): chr3:10,142,985, A>C. VCF-style: chr3-10142985-A-C. GRCh37 (hg19) VCF-style: chr3-10184669-A-C.
Other names: c.563A>C, p.Glu188Ala (NM_001354723.2); c.340+798A>C (NM_198156.3); short protein forms E188A.
Identifiers: ClinVar variation 2078497 (VCV002078497.4), dbSNP rs2470160316, ClinGen allele CA2580068451.